The following is an entry in ClinVar:

NM_000059.4(BRCA2):c.6014_6017del (p.Asp2005fs)

Gene: BRCA2 (BRCA2 DNA repair associated; plus strand). Cytogenetic location: 13q13.1.
Variant type: Deletion.
Coding change: c.6014_6017del on transcript NM_000059.4 (MANE Select); coding-DNA positions 6014 to 6017, 4 bases deleted (ATAG; older notation c.6014_6017delATAG).
Protein change: p.Asp2005fs; shifts the reading frame from aspartic acid 2005.
Molecular consequence: frameshift variant.
Genome position (GRCh38, 1-based): chr13:32,340,369-32,340,372, ATAG deleted; deleting any 4 consecutive bases within chr13:32,340,367-32,340,372 gives the same sequence; the c. name uses the placement nearest the transcript's 3' end. VCF-style (leftmost placement, unchanged base first): chr13-32340366-AAGAT-A. GRCh37 (hg19) VCF-style: chr13-32914503-AAGAT-A.
Other names: c.6014_6017delATAG (NM_000059.3).
Identifiers: ClinVar variation 373822 (VCV000373822.18), dbSNP rs1057518635, ClinGen allele CA16043339.

ClinVar aggregate classification (germline): Pathogenic. Review status: reviewed by expert panel (3 of 4 stars). 6 submissions from 6 submitters: Pathogenic (1). 5 of the submissions do not count toward it. Last evaluated 2017-12-15.

Conditions:
Breast-ovarian cancer, familial, susceptibility to, 2 (BROVCA2). Also called: BRCA2 Hereditary Breast and Ovarian Cancer. Identifiers: Orphanet 145, MedGen C2675520, MONDO:0012933, OMIM 612555. Disease mechanism: loss of function.
Breast neoplasm. Also called: Neoplasm of the breast; Neoplasm of breast; Breast tumor; Breast Neoplasms. Identifiers: MedGen C1458155, MeSH D001943, MONDO:0021100, HP:0100013. Disease mechanism: gain of function.
Hereditary breast ovarian cancer syndrome. Also called: BRCA1- and BRCA2-Associated Hereditary Breast and Ovarian Cancer; Hereditary breast and ovarian cancer syndrome; Hereditary breast and ovarian cancer; Hereditary breast and/or ovarian cancer syndrome; Hereditary breast and ovarian cancer syndrome (HBOC); Breast and ovarian cancer. Identifiers: Orphanet 145, MedGen C0677776, MeSH D061325, MONDO:0003582. Disease mechanism: loss of function.

Submissions (6):

Evidence-based Network for the Interpretation of Germline Mutant Alleles (ENIGMA)
Classification: Pathogenic for Breast-ovarian cancer, familial, susceptibility to, 2. Last evaluated: 2017-12-15. Review status: reviewed by expert panel. Criteria: ENIGMA BRCA1/2 Classification Criteria (2017-06-29). Collection method: curation. Allele origin: germline. Study: ENIGMA.
Comment: Variant allele predicted to encode a truncated non-functional protein.

Labcorp Genetics (formerly Invitae), Labcorp
Classification: Pathogenic for Hereditary breast ovarian cancer syndrome. Last evaluated: 2026-01-22. Review status: criteria provided, single submitter. Criteria: Invitae Variant Classification Sherloc (09022015). Collection method: clinical testing. Allele origin: germline. Not counted in ClinVar's aggregate classification.
Comment: This sequence change creates a premature translational stop signal (p.Asp2005Valfs*34) in the BRCA2 gene. It is expected to result in an absent or disrupted protein product. Loss-of-function variants in BRCA2 are known to be pathogenic (PMID: 20104584). This variant is not present in population databases (gnomAD no frequency). This premature translational stop signal has been observed in individual(s) with breast cancer (PMID: 24884479, 30287823). This variant is also known as 6242del4. ClinVar contains an entry for this variant (Variation ID: 373822). For these reasons, this variant has been classified as Pathogenic.

Dasa
Classification: Pathogenic for Breast-ovarian cancer, familial, susceptibility to, 2. Last evaluated: 2025-12-22. Review status: criteria provided, single submitter. Criteria: DASA Assertion Criteria. Collection method: clinical testing. Allele origin: germline. Not counted in ClinVar's aggregate classification.
Comment: NM_000059.4(BRCA2):c.6014_6017del (p.Asp2005Valfs*34) is a frameshift variant in BRCA2 predicted to alter the reading frame and introduce a premature termination codon and is predicted to result in an absent or altered protein product. Loss of function is an established disease mechanism for BRCA2 (PMID: 16199546; PMID: 17063271; PMID: 25632310). The affected residue or protein region has prior evidence supporting clinical relevance. Also, this variant is rare in population databases. Based on the currently available evidence, this variant is classified as pathogenic.

Women's Health and Genetics/Laboratory Corporation of America, LabCorp
Classification: Pathogenic for Hereditary breast and ovarian cancer syndrome. Last evaluated: 2020-01-27. Review status: criteria provided, single submitter. Criteria: LabCorp Variant Classification Summary - May 2015. Collection method: clinical testing. Allele origin: germline. Not counted in ClinVar's aggregate classification.
Comment: Variant summary: BRCA2 c.6014_6017delATAG (p.Asp2005ValfsX34) results in a premature termination codon, predicted to cause a truncation of the encoded protein or absence of the protein due to nonsense mediated decay, which are commonly known mechanisms for disease. Truncations downstream of this position have been classified as pathogenic by our laboratory. The variant was absent in 250546 control chromosomes (gnomAD). c.6014_6017delATAG has been reported in the literature in individuals affected with Hereditary Breast and Ovarian Cancer (e.g. Momozawa_2018, Silva_2014). These data indicate that the variant is likely to be associated with disease. To our knowledge, no experimental evidence demonstrating an impact on protein function has been reported. Two ClinVar submitters including an expert panel (ENIGMA) (evaluation after 2014) cite the variant as pathogenic. Based on the evidence outlined above, the variant was classified as pathogenic.

GeneDx
Classification: Pathogenic. Last evaluated: 2019-08-19. Review status: criteria provided, single submitter. Criteria: GeneDx Variant Classification Process June 2021. Collection method: clinical testing. Allele origin: germline. Affected: yes. Not counted in ClinVar's aggregate classification.
Comment: Frameshift variant predicted to result in protein truncation or nonsense mediated decay in a gene for which loss-of-function is a known mechanism of disease; Not observed in large population cohorts (Lek 2016); Truncating variants in this gene are considered pathogenic by a well-established clinical consortium and/or database; This variant is associated with the following publications: (PMID: 24884479)

Clinical and Functional Genomics Group, A.C.Camargo Cancer Center
Classification: Pathogenic for Breast Cancer. Review status: criteria provided, single submitter. Criteria: Silva et al. (BMC Med Genet. 2014). Collection method: research. Allele origin: germline. Affected: yes. Not counted in ClinVar's aggregate classification.

Literature cited by the submitters: PubMed 20104584 (cited by Labcorp Genetics (formerly Invitae), Labcorp); PubMed 24884479 (cited by Labcorp Genetics (formerly Invitae), Labcorp and Women's Health and Genetics/Laboratory Corporation of America, LabCorp); PubMed 30287823 (cited by Labcorp Genetics (formerly Invitae), Labcorp and Women's Health and Genetics/Laboratory Corporation of America, LabCorp); PubMed 16199546 (cited by Dasa); PubMed 17063271 (cited by Dasa); PubMed 25632310 (cited by Dasa); PubMed 23469205 (cited by Clinical and Functional Genomics Group, A.C.Camargo Cancer Center).